The following is an entry in ClinVar:

ClinVar aggregate classification (germline): Pathogenic/Likely pathogenic. Review status: criteria provided, multiple submitters, no conflicts (2 of 4 stars). 7 submissions from 7 submitters: Pathogenic (3); Likely pathogenic (4). Last evaluated 2025-07-02.

Conditions:
SOS1-related disorder. Also called: SOS1-related condition.
RASopathy. Also called: rasopathies; Noonan spectrum disorder. Identifiers: Orphanet 536391, MedGen C5555857, MONDO:0021060.
Noonan syndrome (NS). Also called: Noonan's syndrome. Identifiers: Orphanet 648, MedGen C0028326, MeSH D009634, MONDO:0018997. Disease mechanism: gain of function.
Noonan syndrome 4 (NS4). Also called: NOONAN SYNDROME WITH PIGMENTED VILLONODULAR SYNOVITIS; SOS1-Related Noonan Syndrome. Identifiers: Orphanet 648, MedGen C1853120, MONDO:0012547, OMIM 610733.

Submissions (7):

Labcorp Genetics (formerly Invitae), Labcorp
Classification: Pathogenic for RASopathy. Last evaluated: 2025-07-02. Review status: criteria provided, single submitter. Criteria: Invitae Variant Classification Sherloc (09022015). Collection method: clinical testing. Allele origin: germline.
Comment: This sequence change replaces lysine, which is basic and polar, with isoleucine, which is neutral and non-polar, at codon 728 of the SOS1 protein (p.Lys728Ile). This variant is not present in population databases (gnomAD no frequency). This missense change has been observed in individual(s) with clinical features of RASopathy disorders (PMID: 20461756; internal data). In at least one individual the variant was observed to be de novo. ClinVar contains an entry for this variant (Variation ID: 40699). Invitae Evidence Modeling of protein sequence and biophysical properties (such as structural, functional, and spatial information, amino acid conservation, physicochemical variation, residue mobility, and thermodynamic stability) has been performed for this missense variant. However, the output from this modeling did not meet the statistical confidence thresholds required to predict the impact of this variant on SOS1 protein function. For these reasons, this variant has been classified as Pathogenic.

Laboratory of Genetics, Children's Clinical University Hospital Latvia
Classification: Pathogenic. Last evaluated: 2025-02-16. Review status: criteria provided, single submitter. Criteria: ACMG Guidelines, 2015. Collection method: clinical testing. Allele origin: germline. Affected: yes.

GeneDx
Classification: Likely pathogenic. Last evaluated: 2024-09-10. Review status: criteria provided, single submitter. Criteria: GeneDx Variant Classification Process June 2021. Collection method: clinical testing. Allele origin: germline. Affected: yes.
Comment: Not observed at significant frequency in large population cohorts (gnomAD); In silico analysis supports that this missense variant has a deleterious effect on protein structure/function; Missense variants in this gene are a common cause of disease and they are underrepresented in the general population; This variant is associated with the following publications: (PMID: 20461756, 21387466, 29493581, 23885229, 35386434, 34204435, 26173643, 36939041)

Blueprint Genetics
Classification: Likely pathogenic for SOS1-related disorders. Last evaluated: 2020-10-07. Review status: criteria provided, single submitter. Criteria: ACMG Guidelines, 2015. Collection method: clinical testing. Allele origin: germline. Affected: yes. Observed: 1 variant allele.

Molecular Diagnostics Lab, Nemours Children's Health, Delaware
Classification: Likely pathogenic for Noonan syndrome 4. Last evaluated: 2017-06-21. Review status: criteria provided, single submitter. Criteria: ACMG Guidelines, 2015. Collection method: clinical testing. Allele origin: unknown. Affected: yes. Observed: 1 variant allele, 1 heterozygote.

Laboratory for Molecular Medicine, Mass General Brigham Personalized Medicine
Classification: Pathogenic for Noonan syndrome. Last evaluated: 2013-02-19. Review status: criteria provided, single submitter. Criteria: LMM Criteria. Collection method: clinical testing. Allele origin: germline. Observed: 1 variant allele.
Comment: The Lys728Ile variant in SOS1 has been reported in the literature in one patient with clinical features of Noonan Syndrome and the presence of embryonal rhabdom yosarcoma (Jongmans 2010). The variant was reported to have occurred de novo in this patient and this finding supports a pathogenic role. Computational analyses (biochemical ami no acid properties, conservation, AlignGVGD, PolyPhen2, and SIFT) suggest that t he Lys728Ile variant may impact the protein. In addition, this variant has not b een identified in large and broad populations by the NHLBI Exome Sequencing Proj ect (Lepri 2011). In summary, this variant me ets our criteria to be classified as pathogenic

Genome-Nilou Lab
Classification: Likely pathogenic for Noonan syndrome 4. Review status: criteria provided, single submitter. Criteria: ACMG Guidelines, 2015. Collection method: clinical testing. Allele origin: germline.

Literature cited by the submitters: PubMed 20461756 (cited by Labcorp Genetics (formerly Invitae), Labcorp and Laboratory for Molecular Medicine, Mass General Brigham Personalized Medicine).

NM_005633.4(SOS1):c.2183A>T (p.Lys728Ile)

Gene: SOS1 (SOS Ras/Rac guanine nucleotide exchange factor 1; minus strand). Cytogenetic location: 2p22.1.
Variant type: single nucleotide variant.
Coding change: c.2183A>T on transcript NM_005633.4 (MANE Select); coding-DNA position 2183, A replaced by T.
Protein change: p.Lys728Ile; replaces lysine 728 with isoleucine.
Molecular consequence: missense variant.
Genome position (GRCh38, 1-based): chr2:39,012,333, T>A on the plus strand (A>T on the coding strand, the complement: SOS1 is on the minus strand). VCF-style: chr2-39012333-T-A. GRCh37 (hg19) VCF-style: chr2-39239474-T-A.
Other names: p.K728I:AAA>ATA; c.2162A>T, p.Lys721Ile (NM_001382394.1); c.2183A>T, p.Lys728Ile (NM_001382395.1); short protein forms K728I, K721I.
Identifiers: ClinVar variation 40699 (VCV000040699.23), dbSNP rs397517156, ClinGen allele CA261731.